The following is an entry in ClinVar:

ClinVar aggregate classification (germline): Uncertain significance (1 of 4 stars; one submission).

Submission:

Labcorp Genetics (formerly Invitae), Labcorp
Classification: Uncertain significance. Last evaluated: 2022-04-26. Review status: criteria provided, single submitter. Criteria: Invitae Variant Classification Sherloc (09022015). Collection method: clinical testing. Allele origin: germline.
Comment: In summary, the available evidence is currently insufficient to determine the role of this variant in disease. Therefore, it has been classified as a Variant of Uncertain Significance. Algorithms developed to predict the effect of missense changes on protein structure and function (SIFT, PolyPhen-2, Align-GVGD) all suggest that this variant is likely to be tolerated. This variant has not been reported in the literature in individuals affected with PDE6A-related conditions. This variant is not present in population databases (gnomAD no frequency). This sequence change replaces glutamine, which is neutral and polar, with proline, which is neutral and non-polar, at codon 524 of the PDE6A protein (p.Gln524Pro).

NM_000440.3(PDE6A):c.1571A>C (p.Gln524Pro)

Gene: PDE6A (phosphodiesterase 6A; minus strand). Cytogenetic location: 5q32.
Variant type: single nucleotide variant.
Coding change: c.1571A>C on transcript NM_000440.3 (MANE Select); coding-DNA position 1571, A replaced by C.
Protein change: p.Gln524Pro; replaces glutamine 524 with proline.
Molecular consequence: missense variant.
Genome position (GRCh38, 1-based): chr5:149,896,405, T>G on the plus strand (A>C on the coding strand, the complement: PDE6A is on the minus strand). VCF-style: chr5-149896405-T-G. GRCh37 (hg19) VCF-style: chr5-149275968-T-G.
Other names: short protein forms Q524P.
Identifiers: ClinVar variation 1391920 (VCV001391920.8), dbSNP rs2113586479, ClinGen allele CA361695386.